The following is an entry in ClinVar:

ClinVar aggregate classification (germline): Uncertain significance (1 of 4 stars; one submission).

Conditions:
Hereditary nonpolyposis colorectal neoplasms. Identifiers: MedGen C0009405, MeSH D003123.

Allele frequency attached by ClinVar (database versions not stated): gnomAD exomes below 0.00001.
gnomAD v4.1: 2 of 1,606,306 alleles (0.00012%); highest among the groups gnomAD compares: Admixed American, 0.0017%; no homozygotes.

Submission:

Labcorp Genetics (formerly Invitae), Labcorp
Classification: Uncertain significance for Hereditary nonpolyposis colorectal neoplasms. Last evaluated: 2021-12-17. Review status: criteria provided, single submitter. Criteria: Invitae Variant Classification Sherloc (09022015). Collection method: clinical testing. Allele origin: germline.
Comment: The frequency data for this variant in the population databases (gnomAD) is considered unreliable due to the presence of homologous sequence, such as pseudogenes or paralogs, in the genome. This sequence change replaces alanine, which is neutral and non-polar, with glycine, which is neutral and non-polar, at codon 765 of the PMS2 protein (p.Ala765Gly). Algorithms developed to predict the effect of sequence changes on RNA splicing suggest that this variant may create or strengthen a splice site. In summary, the available evidence is currently insufficient to determine the role of this variant in disease. Therefore, it has been classified as a Variant of Uncertain Significance. Advanced modeling of protein sequence and biophysical properties (such as structural, functional, and spatial information, amino acid conservation, physicochemical variation, residue mobility, and thermodynamic stability) performed at Invitae indicates that this missense variant is not expected to disrupt PMS2 protein function. This variant has not been reported in the literature in individuals affected with PMS2-related conditions.

NM_000535.7(PMS2):c.2294C>G (p.Ala765Gly)

Gene: PMS2 (PMS1 homolog 2, mismatch repair system component; minus strand). Cytogenetic location: 7p22.1.
Variant type: single nucleotide variant.
Coding change: c.2294C>G on transcript NM_000535.7 (MANE Select); coding-DNA position 2294, C replaced by G.
Protein change: p.Ala765Gly; replaces alanine 765 with glycine.
Molecular consequence: missense variant.
Genome position (GRCh38, 1-based): chr7:5,977,739, G>C on the plus strand (C>G on the coding strand, the complement: PMS2 is on the minus strand). VCF-style: chr7-5977739-G-C. GRCh37 (hg19) VCF-style: chr7-6017370-G-C.
Other names: c.1889C>G, p.Ala630Gly (NM_001322003.2, NM_001322004.2, NM_001322005.2); c.2138C>G, p.Ala713Gly (NM_001322006.2); c.1976C>G, p.Ala659Gly (NM_001322007.2, NM_001322008.2); c.1922C>G, p.Ala641Gly (NM_001322009.2); c.1733C>G, p.Ala578Gly (NM_001322010.2); c.1361C>G, p.Ala454Gly (NM_001322011.2, NM_001322012.2); c.1721C>G, p.Ala574Gly (NM_001322013.2); c.2327C>G, p.Ala776Gly (NM_001322014.2); and 1 more; short protein forms A578G, A630G, A659G, A662G, A454G, A574G, A713G, A765G.
Identifiers: ClinVar variation 1509017 (VCV001509017.8), dbSNP rs1295232723, ClinGen allele CA366736107.
Genomic context (GRCh38, chr7:5,977,739, plus strand): 5'-TCATCGACGTCCTGGGGTCCGAAGGTCCAGTTTTTACTAGTTGGCAAGGAAATCAGTTTA[G>C]CCCTTTCAGTGACTGGAGCTAAAAGAATACAATTTTGAGAAAAATCCATGACTTGACAAA-3'
Protein context (NP_000526.2, residues 755-775): IDENAPVTER[Ala765Gly]KLISLPTSKN